The following is an entry in ClinVar:

ClinVar aggregate classification (germline): Uncertain significance. Review status: criteria provided, multiple submitters, no conflicts (2 of 4 stars). 2 submissions from 2 submitters: Uncertain significance (2). Last evaluated 2025-08-11.

Conditions:
Epilepsy, idiopathic generalized, susceptibility to, 11 (EIG11). Identifiers: Orphanet 307, MedGen C2750893, MONDO:0011875, OMIM 607628.
Leukoencephalopathy with mild cerebellar ataxia and white matter edema (LKPAT). Also called: Leukoencephalopathy with ataxia; Leukoencephalopathy with white matter edema; Brain white matter edema; CLCN2-Related Leukoencephalopathy. Identifiers: Orphanet 363540, MedGen C4554120, MONDO:0014292, OMIM 615651. Disease mechanism: loss of function.
Familial hyperaldosteronism type II. Also called: FH II. Identifiers: Orphanet 404, MedGen C1854107, MONDO:0011576, OMIM 605635.

gnomAD v4.1: 13 of 1,614,158 alleles (0.00081%); highest among the groups gnomAD compares: East Asian, 0.029%; no homozygotes.

Submissions (2):

Labcorp Genetics (formerly Invitae), Labcorp
Classification: Uncertain significance. Last evaluated: 2025-08-11. Review status: criteria provided, single submitter. Criteria: Invitae Variant Classification Sherloc (09022015). Collection method: clinical testing. Allele origin: germline.
Comment: This sequence change replaces proline, which is neutral and non-polar, with histidine, which is basic and polar, at codon 853 of the CLCN2 protein (p.Pro853His). This variant is present in population databases (rs200289365, gnomAD 0.04%). This variant has not been reported in the literature in individuals affected with CLCN2-related conditions. ClinVar contains an entry for this variant (Variation ID: 3588986). Invitae Evidence Modeling of protein sequence and biophysical properties (such as structural, functional, and spatial information, amino acid conservation, physicochemical variation, residue mobility, and thermodynamic stability) has been performed for this missense variant. However, the output from this modeling did not meet the statistical confidence thresholds required to predict the impact of this variant on CLCN2 protein function. In summary, the available evidence is currently insufficient to determine the role of this variant in disease. Therefore, it has been classified as a Variant of Uncertain Significance.

Fulgent Genetics
Classification: Uncertain significance for Familial hyperaldosteronism type II; Epilepsy, idiopathic generalized, susceptibility to, 11; Leukoencephalopathy with mild cerebellar ataxia and white matter edema. Last evaluated: 2024-03-20. Review status: criteria provided, single submitter. Criteria: ACMG Guidelines, 2015. Collection method: clinical testing. Allele origin: germline.

NM_004366.6(CLCN2):c.2558C>A (p.Pro853His)

Gene: CLCN2 (chloride voltage-gated channel 2; minus strand). Cytogenetic location: 3q27.1.
Variant type: single nucleotide variant.
Coding change: c.2558C>A on transcript NM_004366.6 (MANE Select); coding-DNA position 2558, C replaced by A.
Protein change: p.Pro853His; replaces proline 853 with histidine.
Molecular consequence: missense variant.
Genome position (GRCh38, 1-based): chr3:184,346,745, G>T on the plus strand (C>A on the coding strand, the complement: CLCN2 is on the minus strand). VCF-style: chr3-184346745-G-T. GRCh37 (hg19) VCF-style: chr3-184064533-G-T.
Other names: c.2507C>A, p.Pro836His (NM_001171087.3); c.2426C>A, p.Pro809His (NM_001171088.3); c.2471C>A, p.Pro824His (NM_001171089.3); short protein forms P853H, P809H, P824H, P836H.
Identifiers: ClinVar variation 3588986 (VCV003588986.2).
Genomic context (GRCh38, chr3:184,346,745, plus strand): 5'-TGCACCTCAGTGGTCTCCGTGTCACTGCTGCTGGTGGCACTGTCTCGGAAGCTGGCGAGG[G>T]GCGGCCGGACTTTCACACCCTGTGCTGTGACAGAGCCCTCGATGGCCTTCCGGAGCTGGA-3'
Protein context (NP_004357.3, residues 843-863): VTAQGVKVRP[Pro853His]LASFRDSATS